The following is an entry in ClinVar:

NM_016284.5(CNOT1):c.2756G>A (p.Gly919Asp)

Gene: CNOT1 (CCR4-NOT transcription complex subunit 1; minus strand). Cytogenetic location: 16q21.
Variant type: single nucleotide variant.
Coding change: c.2756G>A on transcript NM_016284.5 (MANE Select); coding-DNA position 2756, G replaced by A.
Protein change: p.Gly919Asp; replaces glycine 919 with aspartic acid.
Molecular consequence: missense variant. On other transcripts: non-coding transcript variant (1).
Genome position (GRCh38, 1-based): chr16:58,555,386, C>T on the plus strand (G>A on the coding strand, the complement: CNOT1 is on the minus strand). VCF-style: chr16-58555386-C-T. GRCh37 (hg19) VCF-style: chr16-58589290-C-T.
Other names: c.2741G>A, p.Gly914Asp (NM_001265612.2); c.2756G>A, p.Gly919Asp (NM_206999.3); short protein forms G914D, G919D.
Identifiers: ClinVar variation 2574381 (VCV002574381.1), dbSNP rs2543955650, ClinGen allele CA396174464.

ClinVar aggregate classification (germline): Uncertain significance (1 of 4 stars; one submission).

Submission:

GeneDx
Classification: Uncertain significance. Last evaluated: 2023-01-25. Review status: criteria provided, single submitter. Criteria: GeneDx Variant Classification Process June 2021. Collection method: clinical testing. Allele origin: germline. Affected: yes.
Comment: Not observed at significant frequency in large population cohorts (gnomAD); In silico analysis supports that this missense variant has a deleterious effect on protein structure/function; Has not been previously published as pathogenic or benign to our knowledge